The following is an entry in ClinVar:

NM_022455.5(NSD1):c.6991G>A (p.Asp2331Asn)

Gene: NSD1 (nuclear receptor binding SET domain protein 1; plus strand). Cytogenetic location: 5q35.3.
Variant type: single nucleotide variant.
Coding change: c.6991G>A on transcript NM_022455.5 (MANE Select); coding-DNA position 6991, G replaced by A.
Protein change: p.Asp2331Asn; replaces aspartic acid 2331 with asparagine.
Molecular consequence: missense variant.
Genome position (GRCh38, 1-based): chr5:177,294,359, G>A. VCF-style: chr5-177294359-G-A. GRCh37 (hg19) VCF-style: chr5-176721360-G-A.
Other names: c.6118G>A, p.Asp2040Asn (NM_001365684.2, NM_001409308.1, NM_172349.5); c.6991G>A, p.Asp2331Asn (NM_001409301.1, NM_001409302.1, NM_001409303.1); c.6571G>A, p.Asp2191Asn (NM_001409304.1); c.6238G>A, p.Asp2080Asn (NM_001409305.1); c.6229G>A, p.Asp2077Asn (NM_001409306.1, NM_001409307.1); c.5869G>A, p.Asp1957Asn (NM_001409309.1); short protein forms D2331N, D2062N, D1957N, D2077N, D2080N, D2191N, D2040N.
Identifiers: ClinVar variation 380346 (VCV000380346.34), dbSNP rs772981865, ClinGen allele CA3578069.
Genomic context (GRCh38, chr5:177,294,359, plus strand): 5'-TCCAGCCAGAGGCCACTGGACAGGCCACCAGCAGTGGCAGGACCAAGACCCCAGCTAAGC[G>A]ACAAACCCTCTCCAGTGACCAGCCCAAGCTCCTCACCCTCAGTCAGGTCCCAACCACTGG-3'
Protein context (NP_071900.2, residues 2321-2341): AVAGPRPQLS[Asp2331Asn]KPSPVTSPSS

ClinVar aggregate classification (germline): Likely benign. Review status: criteria provided, multiple submitters, no conflicts (2 of 4 stars). 6 submissions from 6 submitters: Likely benign (5). 1 of the submissions does not count toward it. Last evaluated 2025-12-24.

Conditions:
NSD1-related disorder. Also called: NSD1-related condition.
Inborn genetic diseases. Identifiers: MedGen C0950123, MeSH D030342.
Sotos syndrome (SOTOS). Also called: Sotos' syndrome; CHROMOSOME 5q35 DELETION SYNDROME; CEREBRAL GIGANTISM; Distinctive facial appearance, overgrowth in childhood, and learning disabilities or delayed development; SOTOS SYNDROME 1. Identifiers: Orphanet 821, MedGen C0175695, MONDO:0019349, OMIM 117550.

Allele frequency attached by ClinVar (database versions not stated): gnomAD exomes 0.00005 and 0.00019; TOPMed 0.00010; ExAC 0.00018.
gnomAD v4.1: 85 of 1,614,056 alleles (0.0053%); highest among the groups gnomAD compares: Admixed American, 0.078%; 1 homozygote.

Submissions (6):

Labcorp Genetics (formerly Invitae), Labcorp
Classification: Likely benign. Last evaluated: 2025-12-24. Review status: criteria provided, single submitter. Criteria: Invitae Variant Classification Sherloc (09022015). Collection method: clinical testing. Allele origin: germline.

ARUP Laboratories, Molecular Genetics and Genomics, ARUP Laboratories
Classification: Likely benign for Sotos syndrome. Last evaluated: 2024-12-26. Review status: criteria provided, single submitter. Criteria: ARUP Molecular Germline Variant Investigation Process 2024. Collection method: clinical testing. Allele origin: germline.

CeGaT Center for Human Genetics Tuebingen
Classification: Likely benign. Last evaluated: 2024-07-01. Review status: criteria provided, single submitter. Criteria: CeGaT Center For Human Genetics Tuebingen Variant Classification Criteria Version 2. Collection method: clinical testing. Allele origin: germline. Affected: yes. Observed: 1 variant allele.
Comment: NSD1: BS1

GeneDx
Classification: Likely benign. Last evaluated: 2020-05-05. Review status: criteria provided, single submitter. Criteria: GeneDx Variant Classification Process June 2021. Collection method: clinical testing. Allele origin: germline. Affected: yes.

Ambry Genetics
Classification: Likely benign for Inborn genetic diseases. Last evaluated: 2017-11-30. Review status: criteria provided, single submitter. Criteria: Ambry Variant Classification Scheme 2023. Collection method: clinical testing. Allele origin: germline.

PreventionGenetics, part of Exact Sciences
Classification: Likely benign for NSD1-related condition. Last evaluated: 2023-05-24. Review status: no assertion criteria provided. Collection method: clinical testing. Allele origin: germline. Not counted in ClinVar's aggregate classification.
Comment: This variant is classified as likely benign based on ACMG/AMP sequence variant interpretation guidelines (Richards et al. 2015 PMID: 25741868, with internal and published modifications).